The following is an entry in ClinVar:

ClinVar aggregate classification (germline): Uncertain significance. Review status: criteria provided, multiple submitters, no conflicts (2 of 4 stars). 2 submissions from 2 submitters: Uncertain significance (2). Last evaluated 2024-08-08.

Conditions:
Inborn genetic diseases. Identifiers: MedGen C0950123, MeSH D030342.

Allele frequency attached by ClinVar (database versions not stated): gnomAD exomes 0.00001; ExAC 0.00002; TOPMed 0.00002.
gnomAD v4.1: 17 of 1,613,864 alleles (0.0011%); highest among the groups gnomAD compares: Middle Eastern, 0.05%; 1 homozygote.

Submissions (2):

Labcorp Genetics (formerly Invitae), Labcorp
Classification: Uncertain significance. Last evaluated: 2024-08-08. Review status: criteria provided, single submitter. Criteria: Invitae Variant Classification Sherloc (09022015). Collection method: clinical testing. Allele origin: germline.
Comment: This sequence change replaces glycine, which is neutral and non-polar, with aspartic acid, which is acidic and polar, at codon 147 of the MYO18B protein (p.Gly147Asp). This variant is present in population databases (rs774628691, gnomAD 0.02%). This variant has not been reported in the literature in individuals affected with MYO18B-related conditions. ClinVar contains an entry for this variant (Variation ID: 1904827). An algorithm developed to predict the effect of missense changes on protein structure and function (PolyPhen-2) suggests that this variant is likely to be disruptive. In summary, the available evidence is currently insufficient to determine the role of this variant in disease. Therefore, it has been classified as a Variant of Uncertain Significance.

Ambry Genetics
Classification: Uncertain significance for Inborn genetic diseases. Last evaluated: 2023-11-13. Review status: criteria provided, single submitter. Criteria: Ambry Variant Classification Scheme 2023. Collection method: clinical testing. Allele origin: germline.

NM_032608.7(MYO18B):c.440G>A (p.Gly147Asp)

Gene: MYO18B (myosin XVIIIB; plus strand). Cytogenetic location: 22q12.1.
Variant type: single nucleotide variant.
Coding change: c.440G>A on transcript NM_032608.7 (MANE Select); coding-DNA position 440, G replaced by A.
Protein change: p.Gly147Asp; replaces glycine 147 with aspartic acid.
Molecular consequence: missense variant.
Genome position (GRCh38, 1-based): chr22:25,768,356, G>A. VCF-style: chr22-25768356-G-A. GRCh37 (hg19) VCF-style: chr22-26164323-G-A.
Other names: c.440G>A (NM_032608.5); c.440G>A, p.Gly147Asp (NM_001318245.2); short protein forms G147D.
Identifiers: ClinVar variation 1904827 (VCV001904827.4), dbSNP rs774628691, ClinGen allele CA10159583.